The following is an entry in ClinVar:

ClinVar aggregate classification (germline): Likely pathogenic (1 of 4 stars; one submission).

Conditions:
Ellis-van Creveld syndrome (EVC). Also called: EVC-Related Ellis-van Creveld Syndrome; EVC2-Related Ellis-van Creveld Syndrome; MESOECTODERMAL DYSPLASIA; Chondroectodermal dysplasia. Identifiers: Orphanet 289, MedGen C0013903, MONDO:0009162, OMIM 225500.

Submission:

Myriad Genetics, Inc.
Classification: Likely pathogenic for Ellis-van Creveld syndrome. Last evaluated: 2022-04-02. Review status: criteria provided, single submitter. Criteria: Myriad Women's Health Autosomal Recessive and X-Linked Classification Criteria (2021). Collection method: clinical testing. Allele origin: unknown.
Comment: NM_147127.4(EVC2):c.257_260delTGGA(V86Dfs*15) is expected to be pathogenic in the context of EVC2-related Ellis-van Creveld syndrome. This variant is predicted to lead to an abnormal or absent protein product due to the creation of a premature termination codon in EVC2, a gene where loss-of-function variants are known to be pathogenic. Please note: this variant was assessed in the context of healthy population screening.

NM_147127.5(EVC2):c.257_260del (p.Val86fs)

Gene: EVC2 (EvC ciliary complex subunit 2; minus strand). Cytogenetic location: 4p16.2.
Variant type: Deletion.
Coding change: c.257_260del on transcript NM_147127.5 (MANE Select); coding-DNA positions 257 to 260, 4 bases deleted (TGGA; older notation c.257_260delTGGA).
Protein change: p.Val86fs; shifts the reading frame from valine 86.
Molecular consequence: frameshift variant.
Genome position (GRCh38, 1-based): chr4:5,697,616-5,697,619, TCCA deleted on the plus strand (TGGA on the coding strand, the reverse complement: EVC2 is on the minus strand). VCF-style (leftmost placement, unchanged base first): chr4-5697615-TTCCA-T. GRCh37 (hg19) VCF-style: chr4-5699342-TTCCA-T.
Other names: c.17_20del, p.Val6fs (NM_001166136.2); short protein forms V6fs, V86fs.
Identifiers: ClinVar variation 1725840 (VCV001725840.2), dbSNP rs2474109890, ClinGen allele CA2580070774.